The following is an entry in ClinVar:

ClinVar aggregate classification (germline): Pathogenic. Review status: criteria provided, single submitter (1 of 4 stars). 2 submissions from 2 submitters: Pathogenic (1). 1 of the submissions does not count toward it. Last evaluated 2023-11-29.

Conditions:
Retinitis pigmentosa 3. Also called: CHOROIDORETINAL DEGENERATION WITH RETINAL REFLEX IN HETEROZYGOUS WOMEN. Identifiers: Orphanet 791, MedGen C1845667, MONDO:0010227, OMIM 300029.
RPGR-related disorder. Also called: RPGR-related condition.

Submissions (2):

Blueprint Genetics
Classification: Pathogenic for RPGR-related disorders. Last evaluated: 2023-11-29. Review status: criteria provided, single submitter. Criteria: ACMG Guidelines, 2015. Collection method: clinical testing. Allele origin: germline. Affected: yes. Observed: 1 variant allele.

Department of Medical Genetics, Unidade Local de Saúde de Coimbra
Classification: Likely pathogenic for Retinitis pigmentosa 3. Review status: no assertion criteria provided. Collection method: clinical testing. Allele origin: unknown. Inheritance: X-linked inheritance. Affected: yes. Observed: 1 variant allele, 1 hemizygote. Not counted in ClinVar's aggregate classification.
Comment: The c.1506+1G>A variant in RPGR was identified in a family affected by X‑linked retinitis pigmentosa (XLRP) and was not detected in large population databases.

Literature cited by the submitters: PubMed 42521440 (cited by Department of Medical Genetics, Unidade Local de Saúde de Coimbra).

NM_001034853.2(RPGR):c.1506+1G>A

Gene: RPGR (retinitis pigmentosa GTPase regulator; minus strand). Cytogenetic location: Xp11.4.
Variant type: single nucleotide variant.
Coding change: c.1506+1G>A on transcript NM_001034853.2 (MANE Select); the canonical splice donor site of the intron after coding-DNA position 1506, G replaced by A.
Molecular consequence: splice donor variant.
Genome position (GRCh38, 1-based): chrX:38,291,392, C>T on the plus strand (G>A on the coding strand, the complement: RPGR is on the minus strand). VCF-style: chrX-38291392-C-T. GRCh37 (hg19) VCF-style: chrX-38150645-C-T.
Other names: c.1503+1G>A (NM_001367249.1, NM_001367250.1, NM_001367245.1); c.1320+1G>A (NM_001367251.1, NM_001367246.1); c.1506+1G>A (NM_001367247.1, NM_000328.3); c.1536+1G>A (NM_001367248.1).
Identifiers: ClinVar variation 4856789 (VCV004856789.2).